The following is an entry in ClinVar:

NM_000046.5(ARSB):c.1350G>C (p.Trp450Cys)

Gene: ARSB (arylsulfatase B; minus strand). Cytogenetic location: 5q14.1.
Variant type: single nucleotide variant.
Coding change: c.1350G>C on transcript NM_000046.5 (MANE Select); coding-DNA position 1350, G replaced by C.
Protein change: p.Trp450Cys; replaces tryptophan 450 with cysteine.
Molecular consequence: missense variant.
Genome position (GRCh38, 1-based): chr5:78,780,649, C>G on the plus strand (G>C on the coding strand, the complement: ARSB is on the minus strand). VCF-style: chr5-78780649-C-G. GRCh37 (hg19) VCF-style: chr5-78076472-C-G.
Other names: short protein forms W450C.
Identifiers: ClinVar variation 559708 (VCV000559708.20), dbSNP rs555785323, ClinGen allele CA3317997.

ClinVar aggregate classification (germline): Pathogenic/Likely pathogenic. Review status: criteria provided, multiple submitters, no conflicts (2 of 4 stars). 9 submissions from 9 submitters: Pathogenic (2); Likely pathogenic (6). 1 of the submissions does not count toward it. Last evaluated 2026-01-09.

Conditions:
Mucopolysaccharidosis type 6 (MPS6). Also called: N-ACETYLGALACTOSAMINE-4-SULFATASE DEFICIENCY; MPS VI; MPS 6; Maroteaux Lamy syndrome; ARSB DEFICIENCY; ARYLSULFATASE B DEFICIENCY. Identifiers: Orphanet 583, MedGen C0026709, MONDO:0009661, OMIM 253200.

Allele frequency attached by ClinVar (database versions not stated): TOPMed below 0.00001; gnomAD exomes 0.00001; ExAC 0.00002; 1000 Genomes Project 30x 0.00016; 1000 Genomes Project 0.00020.
gnomAD v4.1: 7 of 1,613,978 alleles (0.00043%); highest among the groups gnomAD compares: South Asian, 0.0055%; no homozygotes.

Submissions (9):

Labcorp Genetics (formerly Invitae), Labcorp
Classification: Pathogenic for Mucopolysaccharidosis type 6. Last evaluated: 2026-01-09. Review status: criteria provided, single submitter. Criteria: Invitae Variant Classification Sherloc (09022015). Collection method: clinical testing. Allele origin: germline.
Comment: This sequence change replaces tryptophan, which is neutral and slightly polar, with cysteine, which is neutral and slightly polar, at codon 450 of the ARSB protein (p.Trp450Cys). This variant is present in population databases (rs555785323, gnomAD 0.007%). This missense change has been observed in individual(s) with mucopolysaccharidosis type VI (PMID: 27826022). ClinVar contains an entry for this variant (Variation ID: 559708). Invitae Evidence Modeling of protein sequence and biophysical properties (such as structural, functional, and spatial information, amino acid conservation, physicochemical variation, residue mobility, and thermodynamic stability) indicates that this missense variant is expected to disrupt ARSB protein function with a positive predictive value of 95%. Experimental studies have shown that this missense change affects ARSB function (PMID: 27826022). For these reasons, this variant has been classified as Pathogenic.

Natera, Inc.
Classification: Likely pathogenic for Mucopolysaccharidosis type VI. Last evaluated: 2025-05-15. Review status: criteria provided, single submitter. Criteria: Natera Variant Classification Schema (03/2026). Collection method: clinical testing. Allele origin: germline.
Comment: The c.1350G>C variant in ARSB is a missense variant predicted to cause substitution of tryptophan to cysteine at amino acid 450. This variant is rare in the general population with a frequency below the threshold expected for the associated phenotype(s). This variant has been observed in one or more individuals affected with the associated recessive disease, as either homozygous or compound heterozygous with a second variant (PMID: 26609033). Functional studies show that this variant may disrupt protein function (PMID: 27826022). Computational prediction algorithms indicate this variant is likely to affect gene or protein function. Given the available evidence, this variant is classified as Likely Pathogenic.

Fulgent Genetics
Classification: Likely pathogenic for Mucopolysaccharidosis type 6. Last evaluated: 2024-06-24. Review status: criteria provided, single submitter. Criteria: ACMG Guidelines, 2015. Collection method: clinical testing. Allele origin: germline.

Revvity Omics, Revvity
Classification: Likely pathogenic for Mucopolysaccharidosis type 6. Last evaluated: 2024-06-19. Review status: criteria provided, single submitter. Criteria: ACMG Guidelines, 2015. Collection method: clinical testing. Allele origin: germline.

Baylor Genetics
Classification: Likely pathogenic for Mucopolysaccharidosis type 6. Last evaluated: 2023-07-06. Review status: criteria provided, single submitter. Criteria: ACMG Guidelines, 2015. Collection method: clinical testing. Allele origin: unknown.

Genetics and Genomic Medicine Centre, NeuroGen Healthcare, NeuroGen Healthcare
Classification: Pathogenic for Mucopolysaccharidosis type 6. Last evaluated: 2022-02-28. Review status: criteria provided, single submitter. Criteria: Submitter's publication. Collection method: clinical testing. Allele origin: unknown. Affected: no.

Eurofins Ntd Llc (ga)
Classification: Likely pathogenic. Last evaluated: 2018-03-23. Review status: criteria provided, single submitter. Criteria: EGL ClinVar v180209 classification definitions. Collection method: clinical testing. Allele origin: germline. Observed: 1 variant allele, 1 heterozygote.

Laboratory of Diagnosis and Therapy of Lysosomal Disorders, University of Padova
Classification: Likely pathogenic for Mucopolysaccharidosis type 6. Last evaluated: 2018-01-01. Review status: criteria provided, single submitter. Criteria: ACMG Guidelines, 2015. Collection method: curation. Allele origin: germline. Affected: yes.
Comment: In vitro functional studies supportive of a damaging effect on the gene product (low to no ARSB activity in homozygotes; PS3); Very low frequency in ExAC (PM2); Multiple lines of computational evidence support a deleterious effect on the gene product (PP3)

Incorrectly reported by Mathew (2015) Mol Genet Metab Reports 4, 53 as c.1348G>C

Kasturba Medical College, Manipal, Kasturba Medical College, Manipal, Manipal Academy of Higher Education, Manipal, India
Classification: Pathogenic for Mucopolysaccharidosis type 6. Review status: no assertion criteria provided. Collection method: clinical testing. Allele origin: unknown. Inheritance: Autosomal recessive inheritance. Affected: yes. Not counted in ClinVar's aggregate classification.
Comment: This variant was observed in seven individuals in heterozygous state and absent in homozygous state in gnomAD (v4.1.0) population database. This variant was observed in one individual in heterozygous state and in one similarly affected individual in homozygous state in our in-house data of 3810 exomes. In silico prediction tools (CADD_phred, REVEL) are consistent in predicting the variant to be damaging to the ARSB protein function.

Literature cited by the submitters: PubMed 27826022 (cited by 4 submitters); PubMed 26609033 (cited by Natera, Inc. and Laboratory of Diagnosis and Therapy of Lysosomal Disorders, University of Padova); PubMed 24677745 (cited by Laboratory of Diagnosis and Therapy of Lysosomal Disorders, University of Padova and Kasturba Medical College, Manipal, Kasturba Medical College, Manipal, Manipal Academy of Higher Education, Manipal, India); PubMed 26937411 (cited by Laboratory of Diagnosis and Therapy of Lysosomal Disorders, University of Padova and Kasturba Medical College, Manipal, Kasturba Medical College, Manipal, Manipal Academy of Higher Education, Manipal, India); PubMed 30118150 (cited by Laboratory of Diagnosis and Therapy of Lysosomal Disorders, University of Padova).